The following is an entry in ClinVar:

ClinVar aggregate classification (germline): Likely pathogenic (1 of 4 stars; one submission).

Conditions:
SLCO1B3-related disorder. Also called: SLCO1B3-related condition.

Submission:

PreventionGenetics, part of Exact Sciences
Classification: Likely pathogenic for SLCO1B3-related condition. Last evaluated: 2025-09-27. Review status: criteria provided, single submitter. Criteria: ACMG Guidelines, 2015. Collection method: clinical testing. Allele origin: germline.
Comment: The SLCO1B3 c.227-2A>G variant is predicted to disrupt the AG splice acceptor site and interfere with normal splicing. To our knowledge, this variant has not been reported in the literature. This variant is reported in 0.0062% of alleles in individuals of African descent in gnomAD. Variants that disrupt the consensus splice acceptor site in SLCO1B3 are expected to be pathogenic. This variant is interpreted as likely pathogenic.

NM_019844.4(SLCO1B3):c.227-2A>G

Genes: SLCO1B3 (solute carrier organic anion transporter family member 1B3; plus strand), SLCO1B3-SLCO1B7 (SLCO1B3-SLCO1B7 readthrough; plus strand). Cytogenetic location: 12p12.2.
Variant type: single nucleotide variant.
Coding change: c.227-2A>G on transcript NM_019844.4 (MANE Select); the canonical splice acceptor site of the intron before coding-DNA position 227, A replaced by G.
Molecular consequence: splice acceptor variant.
Genome position (GRCh38, 1-based): chr12:20,858,437, A>G. VCF-style: chr12-20858437-A-G. GRCh37 (hg19) VCF-style: chr12-21011371-A-G.
Other names: c.143-2A>G (NM_001349920.2); c.227-2A>G (NM_001371097.1).
Identifiers: ClinVar variation 4983437 (VCV004983437.1).